The following is an entry in ClinVar:

ClinVar aggregate classification (germline): Likely pathogenic (1 of 4 stars; one submission).

Conditions:
46,XY sex reversal 2. Also called: NR0B1-Related 46,XY CGD; NR0B1-related 46,XY complete gonadal dysgenesis; 46XY sex reversal 2, dosage-sensitive; 46,XY SEX REVERSAL, DAX1-RELATED; Dosage-sensitive sex reversal. Identifiers: MedGen C1848296, MONDO:0010226, OMIM 300018.
Congenital adrenal hypoplasia, X-linked (AHC). Also called: Isolated X-Linked Adrenal Hypoplasia Congenita; ADRENAL HYPOPLASIA, CONGENITAL, WITH HYPOGONADOTROPIC HYPOGONADISM; X-linked AHC; X-Linked Adrenal Hypoplasia Congenita. Identifiers: Orphanet 95702, MedGen C0342482, MONDO:0010264, OMIM 300200. Disease mechanism: loss of function.

Submission:

Juno Genomics, Hangzhou Juno Genomics, Inc
Classification: Likely pathogenic for 46,XY sex reversal 2; Congenital adrenal hypoplasia, X-linked. Review status: criteria provided, single submitter. Criteria: ACMG Guidelines, 2015. Collection method: clinical testing. Allele origin: germline.
Comment: Absent from controls (or at extremely low frequency if recessive) in Genome Aggregation Database.;Null variant in a gene where loss of function (LOF) is a known mechanism of disease.;Patient's phenotype or family history is highly specific for a disease with a single genetic etiology.

NM_000475.5(NR0B1):c.870C>A (p.Cys290Ter)

Gene: NR0B1 (nuclear receptor subfamily 0 group B member 1; minus strand). Cytogenetic location: Xp21.2.
Variant type: single nucleotide variant.
Coding change: c.870C>A on transcript NM_000475.5 (MANE Select); coding-DNA position 870, C replaced by A.
Protein change: p.Cys290Ter; replaces cysteine 290 with a stop codon.
Molecular consequence: nonsense.
Genome position (GRCh38, 1-based): chrX:30,308,494, G>T on the plus strand (C>A on the coding strand, the complement: NR0B1 is on the minus strand). VCF-style: chrX-30308494-G-T. GRCh37 (hg19) VCF-style: chrX-30326611-G-T.
Other names: short protein forms C290*.
Identifiers: ClinVar variation 5007549 (VCV005007549.2).
Genomic context (GRCh38, chrX:30,308,494, plus strand): 5'-TTCCACAGTCTCGAACTGCAAGCGGTCCTGGGCCAGCTCAAGCATGAGCAGGGACGCCCA[G>T]CAGTTGCGCACCAGCACCAGCTGCTGGTCCAGGGGCAGCACCTGGAAGCAGGGCAAGTAC-3'